The following is an entry in ClinVar:

NM_015909.4(NBAS):c.1965G>C (p.Lys655Asn)

Gene: NBAS (NBAS subunit of NRZ tethering complex; minus strand). Cytogenetic location: 2p24.3.
Variant type: single nucleotide variant.
Coding change: c.1965G>C on transcript NM_015909.4 (MANE Select); coding-DNA position 1965, G replaced by C.
Protein change: p.Lys655Asn; replaces lysine 655 with asparagine.
Molecular consequence: missense variant. On other transcripts: non-coding transcript variant (1).
Genome position (GRCh38, 1-based): chr2:15,467,717, C>G on the plus strand (G>C on the coding strand, the complement: NBAS is on the minus strand). VCF-style: chr2-15467717-C-G. GRCh37 (hg19) VCF-style: chr2-15607841-C-G.
Other names: short protein forms K655N.
Identifiers: ClinVar variation 2108461 (VCV002108461.4), dbSNP rs2528106662, ClinGen allele CA345882894.

ClinVar aggregate classification (germline): Uncertain significance (1 of 4 stars; one submission).

Submission:

Labcorp Genetics (formerly Invitae), Labcorp
Classification: Uncertain significance. Last evaluated: 2022-03-19. Review status: criteria provided, single submitter. Criteria: Invitae Variant Classification Sherloc (09022015). Collection method: clinical testing. Allele origin: germline.
Comment: In summary, the available evidence is currently insufficient to determine the role of this variant in disease. Therefore, it has been classified as a Variant of Uncertain Significance. Algorithms developed to predict the effect of missense changes on protein structure and function are either unavailable or do not agree on the potential impact of this missense change (SIFT: "Deleterious"; PolyPhen-2: "Benign"; Align-GVGD: "Class C65"). This variant has not been reported in the literature in individuals affected with NBAS-related conditions. This variant is not present in population databases (gnomAD no frequency). This sequence change replaces lysine, which is basic and polar, with asparagine, which is neutral and polar, at codon 655 of the NBAS protein (p.Lys655Asn).